The following is an entry in ClinVar:

NM_024577.4(SH3TC2):c.*19040A>G

Gene: SH3TC2 (SH3 domain and tetratricopeptide repeats 2; minus strand). Cytogenetic location: 5q32.
Variant type: single nucleotide variant.
Coding change: c.*19040A>G on transcript NM_024577.4 (MANE Select); 19040 bases downstream of the stop codon, A replaced by G.
Molecular consequence: 3 prime UTR variant.
Genome position (GRCh38, 1-based): chr5:148,985,671, T>C on the plus strand (A>G on the coding strand, the complement: SH3TC2 is on the minus strand). VCF-style: chr5-148985671-T-C. GRCh37 (hg19) VCF-style: chr5-148365234-T-C.
Identifiers: ClinVar variation 351605 (VCV000351605.5), dbSNP rs930205, ClinGen allele CA10623116.

ClinVar aggregate classification (germline): Benign. Review status: criteria provided, single submitter (1 of 4 stars). 2 submissions from 1 submitter: Benign (2). Last evaluated 2018-01-13.

Conditions:
Susceptibility to mononeuropathy of the median nerve, mild. Also called: CARPAL TUNNEL SYNDROME, SUSCEPTIBILITY TO. Identifiers: MedGen C3150596, MONDO:0013237, OMIM 613353.
Charcot-Marie-Tooth disease type 4C (CMT4C). Also called: CHARCOT-MARIE-TOOTH DISEASE, DEMYELINATING, AUTOSOMAL RECESSIVE, TYPE 4C; CMT 4C; Charcot-Marie-Tooth Neuropathy Type 4C (CMT4C); CHARCOT-MARIE-TOOTH DISEASE, DEMYELINATING, TYPE 4C; SH3TC2-Related Hereditary Motor and Sensory Neuropathy. Identifiers: Orphanet 99949, MedGen C1866636, MONDO:0011113, OMIM 601596.

Allele frequency attached by ClinVar (database versions not stated): 1000 Genomes Project 30x 0.50609; TOPMed 0.50833; 1000 Genomes Project 0.50919; gnomAD 0.51121.
gnomAD v4.1: 77,866 of 152,030 alleles (51%); highest among the groups gnomAD compares: East Asian, 63%; 20,487 homozygotes.

Submissions (2):

Illumina Laboratory Services, Illumina
Classification: Benign for Charcot-Marie-Tooth disease type 4C. Last evaluated: 2018-01-13. Review status: criteria provided, single submitter. Criteria: ICSL Variant Classification Criteria 13 December 2019. Collection method: clinical testing. Allele origin: germline.
Comment: This variant was observed in the ICSL laboratory as part of a predisposition screen in an ostensibly healthy population. It had not been previously curated by ICSL or reported in the Human Gene Mutation Database (HGMD: prior to June 1st, 2018), and was therefore a candidate for classification through an automated scoring system. Utilizing variant allele frequency, disease prevalence and penetrance estimates, and inheritance mode, an automated score was calculated to assess if this variant is too frequent to cause the disease. Based on the score and internal cut-off values, a variant classified as benign is not then subjected to further curation. The score for this variant resulted in a classification of benign for this disease.

Illumina Laboratory Services, Illumina
Classification: Benign for Susceptibility to mononeuropathy of the median nerve, mild. Last evaluated: 2018-01-13. Review status: criteria provided, single submitter. Criteria: ICSL Variant Classification Criteria 13 December 2019. Collection method: clinical testing. Allele origin: germline.
Comment: the same text as in the submission from Illumina Laboratory Services, Illumina above.